The following is an entry in ClinVar:

ClinVar aggregate classification (germline): Likely benign (1 of 4 stars; one submission).

Allele frequency attached by ClinVar (database versions not stated): 1000 Genomes Project 0.00080; 1000 Genomes Project 30x 0.00094; ESP Exome Variant Server 0.00257; TOPMed 0.00290; gnomAD 0.00291; gnomAD exomes 0.00343; ExAC 0.00355.

Submission:

CeGaT Center for Human Genetics Tuebingen
Classification: Likely benign. Last evaluated: 2022-12-01. Review status: criteria provided, single submitter. Criteria: CeGaT Center For Human Genetics Tuebingen Variant Classification Criteria Version 2. Collection method: clinical testing. Allele origin: germline. Affected: yes. Observed: 1 variant allele.
Comment: ZNF598: BP4, BP7, BS2

NM_178167.5(ZNF598):c.1890C>T (p.Ala630=)

Gene: ZNF598 (zinc finger protein 598, E3 ubiquitin ligase; minus strand). Cytogenetic location: 16p13.3.
Variant type: single nucleotide variant.
Coding change: c.1890C>T on transcript NM_178167.5 (MANE Select); coding-DNA position 1890, C replaced by T.
Protein change: p.Ala630=; no amino-acid change (alanine 630 retained).
Molecular consequence: synonymous variant.
Genome position (GRCh38, 1-based): chr16:1,999,659, G>A on the plus strand (C>T on the coding strand, the complement: ZNF598 is on the minus strand). VCF-style: chr16-1999659-G-A. GRCh37 (hg19) VCF-style: chr16-2049660-G-A.
Other names: c.1920C>T, p.Ala640= (NM_001405664.1); c.1872C>T, p.Ala624= (NM_001405665.1).
Identifiers: ClinVar variation 2645962 (VCV002645962.24), dbSNP rs201087605, ClinGen allele CA7826700.